The following is an entry in ClinVar:

NM_003922.4(HERC1):c.1720A>G (p.Ile574Val)

Gene: HERC1 (HECT and RLD domain containing E3 ubiquitin protein ligase family member 1; minus strand). Cytogenetic location: 15q22.31.
Variant type: single nucleotide variant.
Coding change: c.1720A>G on transcript NM_003922.4 (MANE Select); coding-DNA position 1720, A replaced by G.
Protein change: p.Ile574Val; replaces isoleucine 574 with valine.
Molecular consequence: missense variant.
Genome position (GRCh38, 1-based): chr15:63,754,559, T>C on the plus strand (A>G on the coding strand, the complement: HERC1 is on the minus strand). VCF-style: chr15-63754559-T-C. GRCh37 (hg19) VCF-style: chr15-64046758-T-C.
Other names: short protein forms I574V.
Identifiers: ClinVar variation 2430835 (VCV002430835.3), dbSNP rs1435671728, ClinGen allele CA392803630.

ClinVar aggregate classification (germline): Uncertain significance. Review status: criteria provided, multiple submitters, no conflicts (2 of 4 stars). 2 submissions from 2 submitters: Uncertain significance (2). Last evaluated 2023-05-17.

Conditions:
Inborn genetic diseases. Identifiers: MedGen C0950123, MeSH D030342.

Allele frequency attached by ClinVar (database versions not stated): gnomAD exomes 0.00001; gnomAD 0.00002; TOPMed 0.00002.
gnomAD v4.1: 6 of 1,613,456 alleles (0.00037%); highest among the groups gnomAD compares: East Asian, 0.0045%; no homozygotes.

Submissions (2):

Ambry Genetics
Classification: Uncertain significance for Inborn genetic diseases. Last evaluated: 2023-05-17. Review status: criteria provided, single submitter. Criteria: Ambry Variant Classification Scheme 2023. Collection method: clinical testing. Allele origin: germline.

GeneDx
Classification: Uncertain significance. Last evaluated: 2022-08-11. Review status: criteria provided, single submitter. Criteria: GeneDx Variant Classification Process June 2021. Collection method: clinical testing. Allele origin: germline. Affected: yes.
Comment: Not observed at significant frequency in large population cohorts (gnomAD); In silico analysis supports that this missense variant does not alter protein structure/function; Has not been previously published as pathogenic or benign to our knowledge